The following is an entry in ClinVar:

ClinVar aggregate classification (germline): Uncertain significance (1 of 4 stars; one submission).

gnomAD v4.1: 1 of 1,612,772 alleles (0.000062%); highest among the groups gnomAD compares: East Asian, 0.0022%; no homozygotes.

Submission:

Labcorp Genetics (formerly Invitae), Labcorp
Classification: Uncertain significance. Last evaluated: 2022-10-28. Review status: criteria provided, single submitter. Criteria: Invitae Variant Classification Sherloc (09022015). Collection method: clinical testing. Allele origin: germline.
Comment: In summary, the available evidence is currently insufficient to determine the role of this variant in disease. Therefore, it has been classified as a Variant of Uncertain Significance. Variants that disrupt the consensus splice site are a relatively common cause of aberrant splicing (PMID: 17576681, 9536098). Algorithms developed to predict the effect of sequence changes on RNA splicing suggest that this variant is not likely to affect RNA splicing. This variant has not been reported in the literature in individuals affected with COL9A3-related conditions. This variant is not present in population databases (gnomAD no frequency). This sequence change falls in intron 17 of the COL9A3 gene. It does not directly change the encoded amino acid sequence of the COL9A3 protein. It affects a nucleotide within the consensus splice site.

Literature cited by the submitters: PubMed 17576681; PubMed 9536098.

NM_001853.4(COL9A3):c.901-3C>T

Gene: COL9A3 (collagen type IX alpha 3 chain; plus strand). Cytogenetic location: 20q13.33.
Variant type: single nucleotide variant.
Coding change: c.901-3C>T on transcript NM_001853.4 (MANE Select); 3 bases into the intron before coding-DNA position 901, C replaced by T.
Molecular consequence: intron variant.
Genome position (GRCh38, 1-based): chr20:62,828,761, C>T. VCF-style: chr20-62828761-C-T. GRCh37 (hg19) VCF-style: chr20-61460113-C-T.
Identifiers: ClinVar variation 2095165 (VCV002095165.4), dbSNP rs2516054475, ClinGen allele CA2580098371.